The following is an entry in ClinVar:

NM_001243133.2(NLRP3):c.1003A>G (p.Arg335Gly)

Gene: NLRP3 (NLR family pyrin domain containing 3; plus strand). Cytogenetic location: 1q44.
Variant type: single nucleotide variant.
Coding change: c.1003A>G on transcript NM_001243133.2 (MANE Select); coding-DNA position 1003, A replaced by G.
Protein change: p.Arg335Gly; replaces arginine 335 with glycine.
Molecular consequence: missense variant.
Genome position (GRCh38, 1-based): chr1:247,424,452, A>G. VCF-style: chr1-247424452-A-G. GRCh37 (hg19) VCF-style: chr1-247587754-A-G.
Other names: c.1003A>G, p.Arg335Gly (NM_001079821.3, NM_001127461.3, NM_001127462.3 and 1 more transcripts); c.1009A>G, p.Arg337Gly (NM_004895.5); short protein forms R335G, R337G.
Identifiers: ClinVar variation 3772149 (VCV003772149.13).

ClinVar aggregate classification (germline): Uncertain significance (1 of 4 stars; one submission).

gnomAD v4.1: 1 of 1,614,212 alleles (0.000062%); highest among the groups gnomAD compares: Non-Finnish European, 0.000085%; no homozygotes.

Submission:

CeGaT Center for Human Genetics Tuebingen
Classification: Uncertain significance. Last evaluated: 2024-12-01. Review status: criteria provided, single submitter. Criteria: CeGaT Center For Human Genetics Tuebingen Variant Classification Criteria Version 2. Collection method: clinical testing. Allele origin: germline. Affected: yes. Observed: 1 variant allele.
Comment: NLRP3: PM2, BP4